The following is an entry in ClinVar:

ClinVar aggregate classification (germline): Pathogenic (1 of 4 stars; one submission).

Conditions:
Epidermolysis bullosa simplex 3, localized or generalized intermediate, with BP230 deficiency (EBS3). Also called: Epidermolysis bullosa simplex, autosomal recessive 2; Epidermolysis bullosa simplex due to BP230 deficiency. Identifiers: Orphanet 412181, MedGen C3809470, MONDO:0014180, OMIM 615425.
Hereditary sensory and autonomic neuropathy type 6. Also called: HSAN VI; Neuropathy, hereditary sensory and autonomic, type VI. Identifiers: Orphanet 314381, MedGen C3539003, MONDO:0013839, OMIM 614653.

Submission:

Labcorp Genetics (formerly Invitae), Labcorp
Classification: Pathogenic for Epidermolysis bullosa simplex 3, localized or generalized intermediate, with BP230 deficiency; Hereditary sensory and autonomic neuropathy type 6. Last evaluated: 2024-10-02. Review status: criteria provided, single submitter. Criteria: Invitae Variant Classification Sherloc (09022015). Collection method: clinical testing. Allele origin: germline.
Comment: This sequence change creates a premature translational stop signal (p.Gln1749Hisfs*13) in the DST gene. It is expected to result in an absent or disrupted protein product. Loss-of-function variants in DST are known to be pathogenic (PMID: 22522446, 25059916, 30371979). This variant is not present in population databases (gnomAD no frequency). This variant has not been reported in the literature in individuals affected with DST-related conditions. For these reasons, this variant has been classified as Pathogenic.

Literature cited by the submitters: PubMed 22522446; PubMed 25059916; PubMed 30371979.

NM_001723.7(DST):c.5247del (p.Gln1749fs)

Gene: DST (dystonin; minus strand). Cytogenetic location: 6p12.1.
Variant type: Deletion.
Coding change: c.5247del on transcript NM_001723.7 (MANE Plus Clinical); coding-DNA position 5247, one base deleted (A; older notation c.5247delA).
Protein change: p.Gln1749fs; shifts the reading frame from glutamine 1749.
Molecular consequence: frameshift variant. On other transcripts: intron variant (10).
Genome position (GRCh38, 1-based): chr6:56,618,787, T deleted on the plus strand (A on the coding strand, the reverse complement: DST is on the minus strand); the first of 2 consecutive T bases (chr6:56,618,787-56,618,788); deleting either gives the same sequence. VCF-style (leftmost placement, unchanged base first): chr6-56618786-AT-A. GRCh37 (hg19) VCF-style: chr6-56483584-AT-A.
Other names: c.4831-4303del (NM_001144769.5); c.4930-4303del (NM_001374722.1, NM_001374736.1); c.4957-4303del (NM_001374734.1); c.4417-4303del (NM_001144770.2); c.4297-4303del (NM_001374730.1, NM_001386100.1, NM_183380.4 and 1 more transcripts); c.3319-4303del (NM_015548.5); short protein forms Q1749fs.
Identifiers: ClinVar variation 3759333 (VCV003759333.2).